The following is an entry in ClinVar:

ClinVar aggregate classification (germline): Uncertain significance (1 of 4 stars; one submission).

gnomAD v4.1: 1 of 1,613,292 alleles (0.000062%); highest among the groups gnomAD compares: Non-Finnish European, 0.000085%; no homozygotes.

Submission:

Labcorp Genetics (formerly Invitae), Labcorp
Classification: Uncertain significance. Last evaluated: 2025-12-22. Review status: criteria provided, single submitter. Criteria: Invitae Variant Classification Sherloc (09022015). Collection method: clinical testing. Allele origin: germline.
Comment: This sequence change replaces leucine, which is neutral and non-polar, with valine, which is neutral and non-polar, at codon 251 of the IMPG1 protein (p.Leu251Val). This variant is not present in population databases (gnomAD no frequency). This variant has not been reported in the literature in individuals affected with IMPG1-related conditions. An algorithm developed to predict the effect of missense changes on protein structure and function (PolyPhen-2) suggests that this variant is likely to be disruptive. In summary, the available evidence is currently insufficient to determine the role of this variant in disease. Therefore, it has been classified as a Variant of Uncertain Significance.

NM_001563.4(IMPG1):c.751C>G (p.Leu251Val)

Gene: IMPG1 (interphotoreceptor matrix proteoglycan 1; minus strand). Cytogenetic location: 6q14.1.
Variant type: single nucleotide variant.
Coding change: c.751C>G on transcript NM_001563.4 (MANE Select); coding-DNA position 751, C replaced by G.
Protein change: p.Leu251Val; replaces leucine 251 with valine.
Molecular consequence: missense variant.
Genome position (GRCh38, 1-based): chr6:76,018,774, G>C on the plus strand (C>G on the coding strand, the complement: IMPG1 is on the minus strand). VCF-style: chr6-76018774-G-C. GRCh37 (hg19) VCF-style: chr6-76728491-G-C.
Other names: c.517C>G, p.Leu173Val (NM_001282368.2); short protein forms L251V, L173V.
Identifiers: ClinVar variation 4724248 (VCV004724248.1).